The following is an entry in ClinVar:

NM_198076.6(COX20):c.194G>A (p.Gly65Glu)

Gene: COX20 (cytochrome c oxidase assembly factor COX20; plus strand). Cytogenetic location: 1q44.
Variant type: single nucleotide variant.
Coding change: c.194G>A on transcript NM_198076.6 (MANE Select); coding-DNA position 194, G replaced by A.
Protein change: p.Gly65Glu; replaces glycine 65 with glutamic acid.
Molecular consequence: missense variant. On other transcripts: 3 prime UTR variant (1), non-coding transcript variant (3).
Genome position (GRCh38, 1-based): chr1:244,842,231, G>A. VCF-style: chr1-244842231-G-A. GRCh37 (hg19) VCF-style: chr1-245005533-G-A.
Other names: c.194G>A, p.Gly65Glu (NM_001312871.1); c.230G>A, p.Gly77Glu (NM_001312872.1); c.59G>A, p.Gly20Glu (NM_001312873.1); c.*4G>A (NM_001312874.1); short protein forms G20E, G65E, G77E.
Identifiers: ClinVar variation 2504981 (VCV002504981.1), dbSNP rs1173295843, ClinGen allele CA345676503.

ClinVar aggregate classification (germline): Uncertain significance (1 of 4 stars; one submission).

Allele frequency attached by ClinVar (database versions not stated): gnomAD 0.00001.

Submission:

GeneDx
Classification: Uncertain significance. Last evaluated: 2022-12-06. Review status: criteria provided, single submitter. Criteria: GeneDx Variant Classification Process June 2021. Collection method: clinical testing. Allele origin: germline. Affected: yes.
Comment: In silico analysis supports that this missense variant has a deleterious effect on protein structure/function; Not observed at significant frequency in large population cohorts (gnomAD); Has not been previously published as pathogenic or benign to our knowledge